The following is an entry in ClinVar:

ClinVar aggregate classification (germline): Uncertain significance (1 of 4 stars; one submission).

Conditions:
Periodic fever-infantile enterocolitis-autoinflammatory syndrome. Also called: Autoinflammation with infantile enterocolitis. Identifiers: Orphanet 436166, MedGen C4015067, MONDO:0014472, OMIM 616050.
Familial cold autoinflammatory syndrome 4 (FCAS4). Identifiers: Orphanet 47045, Orphanet 576349, MedGen C4015276, MONDO:0014498, OMIM 616115.

Allele frequency attached by ClinVar (database versions not stated): ExAC 0.00001; TOPMed 0.00002; gnomAD exomes 0.00001 and 0.00002; gnomAD 0.00003.
gnomAD v4.1: 31 of 1,613,776 alleles (0.0019%); highest among the groups gnomAD compares: Non-Finnish European, 0.0025%; no homozygotes.

Submission:

Labcorp Genetics (formerly Invitae), Labcorp
Classification: Uncertain significance for Periodic fever-infantile enterocolitis-autoinflammatory syndrome; Familial cold autoinflammatory syndrome 4. Last evaluated: 2020-10-27. Review status: criteria provided, single submitter. Criteria: Invitae Variant Classification Sherloc (09022015). Collection method: clinical testing. Allele origin: germline.
Comment: In summary, the available evidence is currently insufficient to determine the role of this variant in disease. Therefore, it has been classified as a Variant of Uncertain Significance. Algorithms developed to predict the effect of missense changes on protein structure and function are either unavailable or do not agree on the potential impact of this missense change (SIFT: "Deleterious"; PolyPhen-2: "Benign"; Align-GVGD: "Class C0"). This variant has not been reported in the literature in individuals with NLRC4-related conditions. This variant is present in population databases (rs776862990, ExAC 0.002%). This sequence change replaces serine with arginine at codon 722 of the NLRC4 protein (p.Ser722Arg). The serine residue is highly conserved and there is a moderate physicochemical difference between serine and arginine.

NM_001199138.2(NLRC4):c.2166T>G (p.Ser722Arg)

Gene: NLRC4 (NLR family CARD domain containing 4; minus strand). Cytogenetic location: 2p22.3.
Variant type: single nucleotide variant.
Coding change: c.2166T>G on transcript NM_001199138.2 (MANE Select); coding-DNA position 2166, T replaced by G.
Protein change: p.Ser722Arg; replaces serine 722 with arginine.
Molecular consequence: missense variant. On other transcripts: intron variant (1).
Genome position (GRCh38, 1-based): chr2:32,249,698, A>C on the plus strand (T>G on the coding strand, the complement: NLRC4 is on the minus strand). VCF-style: chr2-32249698-A-C. GRCh37 (hg19) VCF-style: chr2-32474767-A-C.
Other names: c.2166T>G, p.Ser722Arg (NM_001199139.2, NM_021209.5); c.262+2721T>G (NM_001302504.1); short protein forms S722R.
Identifiers: ClinVar variation 1515563 (VCV001515563.8), dbSNP rs776862990, ClinGen allele CA1601870.